The following is an entry in ClinVar:

ClinVar aggregate classification (germline): Likely pathogenic (1 of 4 stars; one submission).

Conditions:
Retinitis pigmentosa 13 (RP13). Also called: PRPF 8-Related Retinitis Pigmentosa. Identifiers: Orphanet 791, MedGen C1838702, MONDO:0010806, OMIM 600059.

Submission:

3billion
Classification: Likely pathogenic for Retinitis pigmentosa 13. Last evaluated: 2025-06-24. Review status: criteria provided, single submitter. Criteria: ACMG Guidelines, 2015. Collection method: clinical testing. Allele origin: germline. Affected: yes.
Comment: The variant is not observed in the gnomAD v4.1.0 dataset. Predicted Consequence/Location: Frameshift: predicted to result in a loss or disruption of normal protein function through protein truncation. Multiple pathogenic variants are reported in the predicted truncated region. Therefore, this variant is classified as Likely pathogenic according to the recommendation of ACMG/AMP guideline.

NM_006445.4(PRPF8):c.6988del (p.Arg2330fs)

Gene: PRPF8 (pre-mRNA processing factor 8; minus strand). Cytogenetic location: 17p13.3.
Variant type: Deletion.
Coding change: c.6988del on transcript NM_006445.4 (MANE Select); coding-DNA position 6988, one base deleted (C; older notation c.6988delC).
Protein change: p.Arg2330fs; shifts the reading frame from arginine 2330.
Molecular consequence: frameshift variant.
Genome position (GRCh38, 1-based): chr17:1,650,822, G deleted on the plus strand (C on the coding strand, the reverse complement: PRPF8 is on the minus strand). VCF-style (leftmost placement, unchanged base first): chr17-1650821-CG-C. GRCh37 (hg19) VCF-style: chr17-1554115-CG-C.
Other names: short protein forms R2330fs.
Identifiers: ClinVar variation 4856064 (VCV004856064.1).